The following is an entry in ClinVar:

NM_003978.5(PSTPIP1):c.916G>A (p.Gly306Ser)

Gene: PSTPIP1 (proline-serine-threonine phosphatase interacting protein 1; plus strand). Cytogenetic location: 15q24.3.
Variant type: single nucleotide variant.
Coding change: c.916G>A on transcript NM_003978.5 (MANE Select); coding-DNA position 916, G replaced by A.
Protein change: p.Gly306Ser; replaces glycine 306 with serine.
Molecular consequence: missense variant. On other transcripts: intron variant (1).
Genome position (GRCh38, 1-based): chr15:77,032,939, G>A. VCF-style: chr15-77032939-G-A. GRCh37 (hg19) VCF-style: chr15-77325280-G-A.
Other names: c.889G>A, p.Gly297Ser (NM_001321136.2); c.1111G>A, p.Gly371Ser (NM_001321137.1); c.872+511G>A (NM_001321135.2); short protein forms G306S, G297S, G371S.
Identifiers: ClinVar variation 626001 (VCV000626001.8), dbSNP rs374204996, ClinGen allele CA7676065.

ClinVar aggregate classification (germline): Uncertain significance. Review status: criteria provided, multiple submitters, no conflicts (2 of 4 stars). 3 submissions from 3 submitters: Uncertain significance (3). Last evaluated 2023-09-23.

Conditions:
Pyogenic arthritis-pyoderma gangrenosum-acne syndrome (PAPA). Also called: FAMILIAL RECURRENT ARTHRITIS; PAPA SYNDROME. Identifiers: Orphanet 69126, MedGen C1858361, MONDO:0011462, OMIM 604416.
Autoinflammatory syndrome. Identifiers: Orphanet 93665, MedGen C3890737, MONDO:0019751.

Allele frequency attached by ClinVar (database versions not stated): TOPMed 0.00006.
gnomAD v4.1: 12 of 1,602,854 alleles (0.00075%); highest among the groups gnomAD compares: East Asian, 0.016%; no homozygotes.

Submissions (3):

Labcorp Genetics (formerly Invitae), Labcorp
Classification: Uncertain significance for Pyogenic arthritis-pyoderma gangrenosum-acne syndrome. Last evaluated: 2023-09-23. Review status: criteria provided, single submitter. Criteria: Invitae Variant Classification Sherloc (09022015). Collection method: clinical testing. Allele origin: germline.
Comment: ClinVar contains an entry for this variant (Variation ID: 626001). This variant has not been reported in the literature in individuals affected with PSTPIP1-related conditions. The frequency data for this variant in the population databases is considered unreliable, as metrics indicate poor data quality at this position in the gnomAD database. This sequence change replaces glycine, which is neutral and non-polar, with serine, which is neutral and polar, at codon 306 of the PSTPIP1 protein (p.Gly306Ser). Advanced modeling of protein sequence and biophysical properties (such as structural, functional, and spatial information, amino acid conservation, physicochemical variation, residue mobility, and thermodynamic stability) performed at Invitae indicates that this missense variant is not expected to disrupt PSTPIP1 protein function. In summary, the available evidence is currently insufficient to determine the role of this variant in disease. Therefore, it has been classified as a Variant of Uncertain Significance.

Center for Genomics, Ann and Robert H. Lurie Children's Hospital of Chicago
Classification: Uncertain significance for Pyogenic arthritis-pyoderma gangrenosum-acne syndrome. Last evaluated: 2021-03-30. Review status: criteria provided, single submitter. Criteria: ACMG Guidelines, 2015. Collection method: clinical testing. Allele origin: germline.
Comment: PSTPIP1 NM_003978 exon 12 p.Gly306Ser (c.916G>A): This variant has not been reported in the literature and is not present in large control databases. Evolutionary conservation and computational predictive tools for this variant are unclear. In summary, data on this variant is insufficient for disease classification. Therefore, the clinical significance of this variant is uncertain.

Genome Diagnostics Laboratory, The Hospital for Sick Children
Classification: Uncertain significance for Autoinflammatory syndrome. Last evaluated: 2016-12-12. Review status: criteria provided, single submitter. Criteria: ACMG Guidelines, 2015. Collection method: clinical testing. Allele origin: germline. Affected: yes.